The following is an entry in ClinVar:

NM_152703.5(SAMD9L):c.1027G>T (p.Val343Leu)

Gene: SAMD9L (sterile alpha motif domain containing 9 like; minus strand). Cytogenetic location: 7q21.2.
Variant type: single nucleotide variant.
Coding change: c.1027G>T on transcript NM_152703.5 (MANE Select); coding-DNA position 1027, G replaced by T.
Protein change: p.Val343Leu; replaces valine 343 with leucine.
Molecular consequence: missense variant.
Genome position (GRCh38, 1-based): chr7:93,134,945, C>A on the plus strand (G>T on the coding strand, the complement: SAMD9L is on the minus strand). VCF-style: chr7-93134945-C-A. GRCh37 (hg19) VCF-style: chr7-92764258-C-A.
Other names: c.1027G>T, p.Val343Leu (NM_001303496.3, NM_001303497.3, NM_001303498.3 and 5 more transcripts); short protein forms V343L.
Identifiers: ClinVar variation 3950009 (VCV003950009.1).

ClinVar aggregate classification (germline): Uncertain significance (1 of 4 stars; one submission).

Conditions:
Inborn genetic diseases. Identifiers: MedGen C0950123, MeSH D030342.

Submission:

Ambry Genetics
Classification: Uncertain significance for Inborn genetic diseases. Last evaluated: 2025-06-08. Review status: criteria provided, single submitter. Criteria: Ambry Variant Classification Scheme 2023. Collection method: clinical testing. Allele origin: germline.
Comment: The p.V343L variant (also known as c.1027G>T), located in coding exon 1 of the SAMD9L gene, results from a G to T substitution at nucleotide position 1027. The valine at codon 343 is replaced by leucine, an amino acid with highly similar properties. This amino acid position is conserved. In addition, this alteration is predicted to be tolerated by in silico analysis. Based on the available evidence, the clinical significance of this variant remains unclear.